The following is an entry in ClinVar:

NM_032888.4(COL27A1):c.4120C>G (p.Leu1374Val)

Genes: COL27A1 (collagen type XXVII alpha 1 chain; plus strand), LOC126860736 (MED14-independent group 3 enhancer GRCh37_chr9:117050487-117051686; plus strand). Cytogenetic location: 9q32.
Variant type: single nucleotide variant.
Coding change: c.4120C>G on transcript NM_032888.4 (MANE Select); coding-DNA position 4120, C replaced by G.
Protein change: p.Leu1374Val; replaces leucine 1374 with valine.
Molecular consequence: missense variant.
Genome position (GRCh38, 1-based): chr9:114,288,935, C>G. VCF-style: chr9-114288935-C-G. GRCh37 (hg19) VCF-style: chr9-117051215-C-G.
Other names: c.4120C>G (NM_032888.2); short protein forms L1374V.
Identifiers: ClinVar variation 1394918 (VCV001394918.11), dbSNP rs150399981, ClinGen allele CA5202804.
Genomic context (GRCh38, chr9:114,288,935, plus strand): 5'-AGGATGGGCCCCCCTCACCTGTCTCTCTTTGGCTTCCAGGGACAGGAGGGTGTGCAAGGC[C>G]TCCGTGGAAAGCCAGGCCAGCAGGGCCAACCCGTGAGTGGTGCTTCGTGTCCCATCCCTG-3'
Protein context (NP_116277.2, residues 1364-1384): GYPGQEGVQG[Leu1374Val]RGKPGQQGQP

ClinVar aggregate classification (germline): Conflicting classifications of pathogenicity. Review status: criteria provided, conflicting classifications (1 of 4 stars). 3 submissions from 3 submitters: Uncertain significance (2); Likely benign (1). Last evaluated 2025-04-23.

Conditions:
Inborn genetic diseases. Identifiers: MedGen C0950123, MeSH D030342.

Allele frequency attached by ClinVar (database versions not stated): ExAC 0.00002.
gnomAD v4.1: 28 of 1,613,728 alleles (0.0017%); highest among the groups gnomAD compares: Admixed American, 0.047%; no homozygotes.

Submissions (3):

Labcorp Genetics (formerly Invitae), Labcorp
Classification: Likely benign. Last evaluated: 2025-04-23. Review status: criteria provided, single submitter. Criteria: Invitae Variant Classification Sherloc (09022015). Collection method: clinical testing. Allele origin: germline.

Ambry Genetics
Classification: Uncertain significance for Inborn genetic diseases. Last evaluated: 2024-12-30. Review status: criteria provided, single submitter. Criteria: Ambry Variant Classification Scheme 2023. Collection method: clinical testing. Allele origin: germline.

GeneDx
Classification: Uncertain significance. Last evaluated: 2023-03-21. Review status: criteria provided, single submitter. Criteria: GeneDx Variant Classification Process June 2021. Collection method: clinical testing. Allele origin: germline. Affected: yes.
Comment: In silico analysis supports that this missense variant does not alter protein structure/function; Has not been previously published as pathogenic or benign to our knowledge